The following is an entry in ClinVar:

NM_001164508.2(NEB):c.3783C>G (p.Tyr1261Ter)

Gene: NEB (nebulin; minus strand). Cytogenetic location: 2q23.3.
Variant type: single nucleotide variant.
Coding change: c.3783C>G on transcript NM_001164508.2 (MANE Select); coding-DNA position 3783, C replaced by G.
Protein change: p.Tyr1261Ter; replaces tyrosine 1261 with a stop codon.
Molecular consequence: nonsense.
Genome position (GRCh38, 1-based): chr2:151,675,383, G>C on the plus strand (C>G on the coding strand, the complement: NEB is on the minus strand). VCF-style: chr2-151675383-G-C. GRCh37 (hg19) VCF-style: chr2-152531897-G-C.
Other names: c.3783C>G, p.Tyr1261Ter (NM_001164507.2, NM_001271208.2, NM_004543.5); short protein forms Y1261*.
Identifiers: ClinVar variation 5013022 (VCV005013022.1).

ClinVar aggregate classification (germline): Pathogenic (1 of 4 stars; one submission).

Conditions:
Nemaline myopathy 2 (NEM2). Also called: Nemaline myopathy 2, autosomal recessive. Identifiers: MedGen C1850569, MONDO:0009725, OMIM 256030.

Submission:

Myriad Genetics, Inc.
Classification: Pathogenic for Nemaline myopathy 2. Last evaluated: 2024-05-09. Review status: criteria provided, single submitter. Criteria: Myriad Autosomal Dominant, Autosomal Recessive and X-Linked Classification Criteria (2023). Collection method: clinical testing. Allele origin: unknown.
Comment: NM_001271208.1(NEB):c.3783C>G(Y1261*) is expected to be pathogenic in the context of NEB-related nemaline myopathy. This variant is predicted to lead to an abnormal or absent protein product due to the creation of a premature termination codon in NEB, a gene where loss-of-function variants are known to be pathogenic. Please note: this variant was assessed in the context of healthy population screening.